The following is an entry in ClinVar:

ClinVar aggregate classification (germline): Uncertain significance (1 of 4 stars; one submission).

Conditions:
Cardiovascular phenotype. Identifiers: MedGen CN230736.

Submission:

Ambry Genetics
Classification: Uncertain significance for Cardiovascular phenotype. Last evaluated: 2024-03-28. Review status: criteria provided, single submitter. Criteria: Ambry Variant Classification Scheme 2023. Collection method: clinical testing. Allele origin: germline.
Comment: The p.R162L variant (also known as c.485G>T), located in coding exon 1 of the FOXE3 gene, results from a G to T substitution at nucleotide position 485. The arginine at codon 162 is replaced by leucine, an amino acid with dissimilar properties. This amino acid position is conserved. In addition, this alteration is predicted to be deleterious by in silico analysis. Based on the available evidence, the clinical significance of this alteration remains unclear.

NM_012186.3(FOXE3):c.485G>T (p.Arg162Leu)

Genes: FOXE3 (forkhead box E3; plus strand), LINC01389 (long intergenic non-protein coding RNA 1389; minus strand). Cytogenetic location: 1p33.
Variant type: single nucleotide variant.
Coding change: c.485G>T on transcript NM_012186.3 (MANE Select); coding-DNA position 485, G replaced by T.
Protein change: p.Arg162Leu; replaces arginine 162 with leucine.
Molecular consequence: missense variant.
Genome position (GRCh38, 1-based): chr1:47,416,800, G>T. VCF-style: chr1-47416800-G-T. GRCh37 (hg19) VCF-style: chr1-47882472-G-T.
Other names: short protein forms R162L.
Identifiers: ClinVar variation 3279564 (VCV003279564.1).